The following is an entry in ClinVar:

ClinVar aggregate classification (germline): Uncertain significance. Review status: criteria provided, multiple submitters, no conflicts (2 of 4 stars). 5 submissions from 5 submitters: Uncertain significance (5). Last evaluated 2025-11-05.

Conditions:
Catecholaminergic polymorphic ventricular tachycardia (CVPT). Also called: Catecholamine-induced polymorphic ventricular tachycardia. Identifiers: Orphanet 3286, MedGen C5574922, MONDO:0017990.
Cardiomyopathy (CMYO). Also called: Cardiomyopathies. Identifiers: Orphanet 167848, MedGen C0878544, MONDO:0004994, HP:0001638. Inheritance: Various modes of inheritance.
Catecholaminergic polymorphic ventricular tachycardia 1. Also called: VENTRICULAR TACHYCARDIA, CATECHOLAMINERGIC POLYMORPHIC, 1, WITH OR WITHOUT ATRIAL DYSFUNCTION AND/OR DILATED CARDIOMYOPATHY; VENTRICULAR TACHYCARDIA, STRESS-INDUCED POLYMORPHIC 1; RYR2-Related Catecholaminergic Polymorphic Ventricular Tachycardia. Identifiers: Orphanet 3286, MedGen C1631597, MONDO:0011484, OMIM 604772.
Arrhythmogenic right ventricular dysplasia 2. Identifiers: MedGen C1832931.
Ventricular arrhythmias due to cardiac ryanodine receptor calcium release deficiency syndrome. Also called: Autosomal dominant cardiac arrhythmia (Kuhn). Identifiers: MedGen C5542154, MONDO:0020745, OMIM 115000.
Cardiovascular phenotype. Identifiers: MedGen CN230736.

Allele frequency attached by ClinVar (database versions not stated): ExAC 0.00001; gnomAD 0.00001; gnomAD exomes 0.00001 and 0.00002; TOPMed 0.00002.
gnomAD v4.1: 12 of 1,613,762 alleles (0.00074%); highest among the groups gnomAD compares: Middle Eastern, 0.016%; no homozygotes.

Submissions (5):

Labcorp Genetics (formerly Invitae), Labcorp
Classification: Uncertain significance for Catecholaminergic polymorphic ventricular tachycardia 1. Last evaluated: 2025-11-05. Review status: criteria provided, single submitter. Criteria: Invitae Variant Classification Sherloc (09022015). Collection method: clinical testing. Allele origin: germline.
Comment: This sequence change replaces glycine, which is neutral and non-polar, with arginine, which is basic and polar, at codon 1082 of the RYR2 protein (p.Gly1082Arg). This variant is present in population databases (rs774797663, gnomAD 0.007%). This variant has not been reported in the literature in individuals affected with RYR2-related conditions. ClinVar contains an entry for this variant (Variation ID: 928258). Invitae Evidence Modeling of protein sequence and biophysical properties (such as structural, functional, and spatial information, amino acid conservation, physicochemical variation, residue mobility, and thermodynamic stability) indicates that this missense variant is not expected to disrupt RYR2 protein function with a negative predictive value of 95%. In summary, the available evidence is currently insufficient to determine the role of this variant in disease. Therefore, it has been classified as a Variant of Uncertain Significance.

Color Diagnostics, LLC DBA Color Health
Classification: Uncertain significance for Cardiomyopathy. Last evaluated: 2025-06-10. Review status: criteria provided, single submitter. Criteria: ACMG Guidelines, 2015. Collection method: clinical testing. Allele origin: germline.
Comment: This missense variant replaces glycine with arginine at codon 1082 of the RYR2 protein. Computational prediction suggests that this variant may not impact protein structure and function. To our knowledge, functional studies have not been reported for this variant. This variant has not been reported in individuals affected with RYR2-related disorders in the literature. This variant has been identified in 4/248946 chromosomes in the general population by the Genome Aggregation Database (gnomAD). The available evidence is insufficient to determine the role of this variant in disease conclusively. Therefore, this variant is classified as a Variant of Uncertain Significance.

All of Us Research Program, National Institutes of Health
Classification: Uncertain significance for Catecholaminergic polymorphic ventricular tachycardia. Last evaluated: 2023-08-28. Review status: criteria provided, single submitter. Criteria: ACMG Guidelines, 2015. Collection method: clinical testing. Allele origin: germline. Inheritance: Autosomal dominant inheritance. Observed: 2 variant alleles, 2 heterozygotes.
Comment: This missense variant replaces glycine with arginine at codon 1082 of the RYR2 protein. Computational prediction tool suggests that this variant may not impact protein structure and function (internally defined REVEL score threshold <=0.5, PMID: 27666373). Splice site prediction tools suggest that this variant may not impact RNA splicing. To our knowledge, functional studies have not been performed for this variant. This variant has not been reported in individuals affected with cardiovascular disorders in the literature. This variant has been identified in 4/248946 chromosomes in the general population by the Genome Aggregation Database (gnomAD). The available evidence is insufficient to determine the role of this variant in disease conclusively. Therefore, this variant is classified as a Variant of Uncertain Significance.

This study involves interpretation of variants in research participants for the purpose of population health screening. Participant phenotype was not available at the time of variant classification. Additional details can be found in publication PMID: 35346344, PMCID: PMC8962531

Ambry Genetics
Classification: Uncertain significance for Cardiovascular phenotype. Last evaluated: 2023-06-04. Review status: criteria provided, single submitter. Criteria: Ambry Variant Classification Scheme 2023. Collection method: clinical testing. Allele origin: germline.
Comment: The p.G1082R variant (also known as c.3244G>A), located in coding exon 28 of the RYR2 gene, results from a G to A substitution at nucleotide position 3244. The glycine at codon 1082 is replaced by arginine, an amino acid with dissimilar properties. This amino acid position is not well conserved in available vertebrate species. In addition, the in silico prediction for this alteration is inconclusive. Since supporting evidence is limited at this time, the clinical significance of this alteration remains unclear.

Fulgent Genetics
Classification: Uncertain significance for Ventricular arrhythmias due to cardiac ryanodine receptor calcium release deficiency syndrome; Catecholaminergic polymorphic ventricular tachycardia 1. Last evaluated: 2021-10-18. Review status: criteria provided, single submitter. Criteria: ACMG Guidelines, 2015. Collection method: clinical testing. Allele origin: unknown.

NM_001035.3(RYR2):c.3244G>A (p.Gly1082Arg)

Gene: RYR2 (ryanodine receptor 2; plus strand). Cytogenetic location: 1q43.
Variant type: single nucleotide variant.
Coding change: c.3244G>A on transcript NM_001035.3 (MANE Select); coding-DNA position 3244, G replaced by A.
Protein change: p.Gly1082Arg; replaces glycine 1082 with arginine.
Molecular consequence: missense variant.
Genome position (GRCh38, 1-based): chr1:237,566,596, G>A. VCF-style: chr1-237566596-G-A. GRCh37 (hg19) VCF-style: chr1-237729896-G-A.
Other names: c.3244G>A (NM_001035.2); short protein forms G1082R.
Identifiers: ClinVar variation 928258 (VCV000928258.20), dbSNP rs774797663, ClinGen allele CA086343.
Genomic context (GRCh38, chr1:237,566,596, plus strand): 5'-TGACCACCAGAAATCTCTGTCCATTTCCCAGCAGCCAGAGCCGAAGTGTGCAGCGGCACC[G>A]GGGAAAGGTTCCGAATCTTCCGTGCCGAGAAGACCTATGCAGTGAAGGCCGGACGGTGGT-3'
Protein context (NP_001026.2, residues 1072-1092): AARAEVCSGT[Gly1082Arg]ERFRIFRAEK